The following is an entry in ClinVar:

ClinVar aggregate classification (germline): Uncertain significance (1 of 4 stars; one submission).

Conditions:
Developmental and epileptic encephalopathy, 9 (DEE9). Also called: Early infantile epileptic encephalopathy 9; JUBERG-HELLMAN SYNDROME; PCDH19-Related X-Linked Female-Limited Epilepsy with Mental Retardation; EPILEPSY, FEMALE-RESTRICTED, WITH MENTAL RETARDATION. Identifiers: Orphanet 101039, Orphanet 2076, MedGen C1848137, MONDO:0010246, OMIM 300088. Disease mechanism: loss of function.

gnomAD v4.1: 1 of 1,211,933 alleles (0.000083%); highest among the groups gnomAD compares: African/African-American, 0.0017%; no homozygotes.

Submission:

Labcorp Genetics (formerly Invitae), Labcorp
Classification: Uncertain significance for Developmental and epileptic encephalopathy, 9. Last evaluated: 2022-08-03. Review status: criteria provided, single submitter. Criteria: Invitae Variant Classification Sherloc (09022015). Collection method: clinical testing. Allele origin: germline.
Comment: In summary, the available evidence is currently insufficient to determine the role of this variant in disease. Therefore, it has been classified as a Variant of Uncertain Significance. Advanced modeling of protein sequence and biophysical properties (such as structural, functional, and spatial information, amino acid conservation, physicochemical variation, residue mobility, and thermodynamic stability) performed at Invitae indicates that this missense variant is not expected to disrupt PCDH19 protein function. This variant has not been reported in the literature in individuals affected with PCDH19-related conditions. This variant is present in population databases (no rsID available, gnomAD 0.008%). This sequence change replaces isoleucine, which is neutral and non-polar, with methionine, which is neutral and non-polar, at codon 134 of the PCDH19 protein (p.Ile134Met).

NM_001184880.2(PCDH19):c.402C>G (p.Ile134Met)

Gene: PCDH19 (protocadherin 19; minus strand). Cytogenetic location: Xq22.1.
Variant type: single nucleotide variant.
Coding change: c.402C>G on transcript NM_001184880.2 (MANE Select); coding-DNA position 402, C replaced by G.
Protein change: p.Ile134Met; replaces isoleucine 134 with methionine.
Molecular consequence: missense variant.
Genome position (GRCh38, 1-based): chrX:100,408,196, G>C on the plus strand (C>G on the coding strand, the complement: PCDH19 is on the minus strand). VCF-style: chrX-100408196-G-C. GRCh37 (hg19) VCF-style: chrX-99663194-G-C.
Other names: c.402C>G, p.Ile134Met (NM_001105243.2, NM_020766.3); short protein forms I134M.
Identifiers: ClinVar variation 2420950 (VCV002420950.8), dbSNP rs41300169, ClinGen allele CA333826099.